The following is an entry in ClinVar:

ClinVar aggregate classification (germline): Uncertain significance. Review status: criteria provided, multiple submitters, no conflicts (2 of 4 stars). 4 submissions from 3 submitters: Uncertain significance (4). Last evaluated 2025-09-30.

Conditions:
Ectopia lentis et pupillae. Also called: ECTOPIA LENTIS WITH ECTOPIA OF PUPIL. Identifiers: Orphanet 1885, MedGen C1644196, MONDO:0009153, OMIM 225200.
Inborn genetic diseases. Identifiers: MedGen C0950123, MeSH D030342.
Ectopia lentis 2, isolated, autosomal recessive (ECTOL2). Identifiers: Orphanet 1885, MedGen C3541474, MONDO:0009152, OMIM 225100.

Allele frequency attached by ClinVar (database versions not stated): gnomAD 0.00001; gnomAD exomes 0.00001 and 0.00005; TOPMed 0.00002.
gnomAD v4.1: 73 of 1,611,724 alleles (0.0045%); highest among the groups gnomAD compares: Non-Finnish European, 0.0061%; no homozygotes.

Submissions (4):

Ambry Genetics
Classification: Uncertain significance for Inborn genetic diseases. Last evaluated: 2025-09-30. Review status: criteria provided, single submitter. Criteria: Ambry Variant Classification Scheme 2023. Collection method: clinical testing. Allele origin: germline.

Labcorp Genetics (formerly Invitae), Labcorp
Classification: Uncertain significance. Last evaluated: 2024-10-29. Review status: criteria provided, single submitter. Criteria: Invitae Variant Classification Sherloc (09022015). Collection method: clinical testing. Allele origin: germline.
Comment: This sequence change replaces valine, which is neutral and non-polar, with glycine, which is neutral and non-polar, at codon 625 of the ADAMTSL4 protein (p.Val625Gly). This variant is present in population databases (no rsID available, gnomAD 0.003%). This variant has not been reported in the literature in individuals affected with ADAMTSL4-related conditions. ClinVar contains an entry for this variant (Variation ID: 1515177). Invitae Evidence Modeling of protein sequence and biophysical properties (such as structural, functional, and spatial information, amino acid conservation, physicochemical variation, residue mobility, and thermodynamic stability) indicates that this missense variant is not expected to disrupt ADAMTSL4 protein function with a negative predictive value of 80%. In summary, the available evidence is currently insufficient to determine the role of this variant in disease. Therefore, it has been classified as a Variant of Uncertain Significance.

Genome-Nilou Lab
Classification: Uncertain significance for Ectopia lentis et pupillae. Last evaluated: 2023-04-11. Review status: criteria provided, single submitter. Criteria: ACMG Guidelines, 2015. Collection method: clinical testing. Allele origin: germline. Affected: no.

Genome-Nilou Lab
Classification: Uncertain significance for Ectopia lentis 2, isolated, autosomal recessive. Last evaluated: 2023-04-11. Review status: criteria provided, single submitter. Criteria: ACMG Guidelines, 2015. Collection method: clinical testing. Allele origin: germline. Affected: no.

NM_019032.6(ADAMTSL4):c.1874T>G (p.Val625Gly)

Genes: ADAMTSL4 (ADAMTS like 4; plus strand), ADAMTSL4-AS2 (ADAMTSL4 antisense RNA 2; minus strand). Cytogenetic location: 1q21.2.
Variant type: single nucleotide variant.
Coding change: c.1874T>G on transcript NM_019032.6 (MANE Select); coding-DNA position 1874, T replaced by G.
Protein change: p.Val625Gly; replaces valine 625 with glycine.
Molecular consequence: missense variant. On other transcripts: intron variant (1).
Genome position (GRCh38, 1-based): chr1:150,557,162, T>G. VCF-style: chr1-150557162-T-G. GRCh37 (hg19) VCF-style: chr1-150529638-T-G.
Other names: c.1874T>G (NM_019032.4); c.1943T>G, p.Val648Gly (NM_001288608.2); c.1874T>G, p.Val625Gly (NM_001378596.1, NM_025008.5); c.1857-100T>G (NM_001288607.2); short protein forms V625G, V648G.
Identifiers: ClinVar variation 1515177 (VCV001515177.9), dbSNP rs1277524910, ClinGen allele CA342313506.